The following is an entry in ClinVar:

ClinVar aggregate classification (germline): Pathogenic (1 of 4 stars; one submission).

Conditions:
Temtamy preaxial brachydactyly syndrome (TPBS). Identifiers: Orphanet 363417, MedGen C1854466, MONDO:0011533, OMIM 605282.

Submission:

Precision Medicine Hub, Mohammed VI Foundation for Science and Health (FM6SS)
Classification: Pathogenic for Temtamy preaxial brachydactyly syndrome. Last evaluated: 2025-06-07. Review status: criteria provided, single submitter. Criteria: ACMG Guidelines, 2015. Collection method: clinical testing. Allele origin: biparental. Inheritance: Autosomal recessive inheritance. Affected: yes. Observed: 1 variant allele, 1 homozygote.
Comment: A homozygous frameshift variant was identified in two affected brothers presenting with dysmorphic features, blue sclerae, and hand malformations, while both parents are clinically healthy, supporting an autosomal recessive mode of inheritance. ACMG/AMP arguments: PVS1: frameshift variant predicted to cause loss of function/protein truncation. PM2_supporting: absent from population databases, including gnomAD v4.1.0. PM3: homozygous variant identified in the context of an autosomal recessive disorder; PP1: segregation with disease in two affected brothers. PP4: phenotype consistent with Temtamy preaxial brachydactyly syndrome, particularly hand malformations with dysmorphic features. Based on the combination of arguments, this variant is classified as pathogenic.

Literature cited by the submitters: PubMed 21129728.

NM_014918.5(CHSY1):c.907_911del (p.Leu303fs)

Gene: CHSY1 (chondroitin sulfate synthase 1; minus strand). Cytogenetic location: 15q26.3.
Variant type: Deletion.
Coding change: c.907_911del on transcript NM_014918.5 (MANE Select); coding-DNA positions 907 to 911, 5 bases deleted (TTACA; older notation c.907_911delTTACA).
Protein change: p.Leu303fs; shifts the reading frame from leucine 303.
Molecular consequence: frameshift variant.
Genome position (GRCh38, 1-based): chr15:101,178,886-101,178,890, TGTAA deleted on the plus strand (TTACA on the coding strand, the reverse complement: CHSY1 is on the minus strand); deleting any 5 consecutive bases within chr15:101,178,886-101,178,893 gives the same sequence; the c. name uses the placement nearest the transcript's 3' end. VCF-style (leftmost placement, unchanged base first): chr15-101178885-GTGTAA-G. GRCh37 (hg19) VCF-style: chr15-101719090-GTGTAA-G.
Other names: short protein forms L303fs.
Identifiers: ClinVar variation 4851349 (VCV004851349.1).
Genomic context (GRCh38, chr15:101,178,885, plus strand): 5'-TATCTTGCGGCTCAGCATGTAGCTGTGGAGCCTGTACTGGTAGGGTGGGTTTTTGTTGGG[GTGTAA>G]TGTGATAGCTTGGTGAATTTTACTGTTATGGAGATCTCTAATGTACCCCTTTTTGTTCTG-3'